The following is an entry in ClinVar:

ClinVar aggregate classification (germline): Uncertain significance (1 of 4 stars; one submission).

Submission:

CeGaT Center for Human Genetics Tuebingen
Classification: Uncertain significance. Last evaluated: 2024-12-01. Review status: criteria provided, single submitter. Criteria: CeGaT Center For Human Genetics Tuebingen Variant Classification Criteria Version 2. Collection method: clinical testing. Allele origin: germline. Affected: yes. Observed: 2 variant alleles.
Comment: RUBCN: PM2, PM4:Supporting

NM_014687.4(RUBCN):c.1063TCC[1] (p.Ser359del)

Gene: RUBCN (rubicon autophagy regulator; minus strand). Cytogenetic location: 3q29.
Variant type: Microsatellite.
Coding change: c.1063TCC[1] on transcript NM_014687.4 (MANE Select); one copy of the 3-base unit TCC starting at c.1063; the reference has two copies in a row; one copy, 3 bases deleted.
Protein change: p.Ser359del; deletes serine 359.
Molecular consequence: inframe deletion.
Genome position (GRCh38, 1-based): chr3:197,700,806-197,700,808, GGA deleted on the plus strand (TCC on the coding strand, the reverse complement: RUBCN is on the minus strand); deleting any 3 consecutive bases within chr3:197,700,806-197,700,812 gives the same sequence; the position shown is the placement nearest the transcript's 3' end. VCF-style (leftmost placement, unchanged base first): chr3-197700805-TGGA-T. GRCh37 (hg19) VCF-style: chr3-197427676-TGGA-T.
Other names: c.883TCC[1], p.Ser299del (NM_001145642.5); c.1063TCC[1], p.Ser359del (NM_001346873.2); short protein forms S299del, S359del.
Identifiers: ClinVar variation 3025263 (VCV003025263.22), dbSNP rs371317367, ClinGen allele CA2787065.